The following is an entry in ClinVar:

ClinVar aggregate classification (germline): Uncertain significance (1 of 4 stars; one submission).

Conditions:
Hereditary sensory and autonomic neuropathy type 7. Also called: Neuropathy, hereditary sensory and autonomic, type VII; HSAN VII. Identifiers: Orphanet 391397, MedGen C3809882, MONDO:0014244, OMIM 615548.
Familial episodic pain syndrome with predominantly lower limb involvement. Also called: Episodic pain syndrome, familial, 3. Identifiers: Orphanet 391384, Orphanet 391392, MedGen C3809899, MONDO:0014247, OMIM 615552.

Allele frequency attached by ClinVar (database versions not stated): gnomAD exomes below 0.00001; ExAC 0.00002; gnomAD 0.00002; TOPMed 0.00003; ESP Exome Variant Server 0.00008.
gnomAD v4.1: 4 of 1,613,946 alleles (0.00025%); highest among the groups gnomAD compares: African/African-American, 0.0053%; no homozygotes.

Submission:

Labcorp Genetics (formerly Invitae), Labcorp
Classification: Uncertain significance for Familial episodic pain syndrome with predominantly lower limb involvement; Hereditary sensory and autonomic neuropathy type 7. Last evaluated: 2023-03-20. Review status: criteria provided, single submitter. Criteria: Invitae Variant Classification Sherloc (09022015). Collection method: clinical testing. Allele origin: germline.
Comment: This sequence change replaces glutamine, which is neutral and polar, with histidine, which is basic and polar, at codon 273 of the SCN11A protein (p.Gln273His). This variant is present in population databases (rs374749911, gnomAD 0.01%). This variant has not been reported in the literature in individuals affected with SCN11A-related conditions. ClinVar contains an entry for this variant (Variation ID: 2162903). Advanced modeling of protein sequence and biophysical properties (such as structural, functional, and spatial information, amino acid conservation, physicochemical variation, residue mobility, and thermodynamic stability) performed at Invitae indicates that this missense variant is expected to disrupt SCN11A protein function. In summary, the available evidence is currently insufficient to determine the role of this variant in disease. Therefore, it has been classified as a Variant of Uncertain Significance.

NM_001349253.2(SCN11A):c.819G>C (p.Gln273His)

Gene: SCN11A (sodium voltage-gated channel alpha subunit 11; minus strand). Cytogenetic location: 3p22.2.
Variant type: single nucleotide variant.
Coding change: c.819G>C on transcript NM_001349253.2 (MANE Select); coding-DNA position 819, G replaced by C.
Protein change: p.Gln273His; replaces glutamine 273 with histidine.
Molecular consequence: missense variant.
Genome position (GRCh38, 1-based): chr3:38,921,149, C>G on the plus strand (G>C on the coding strand, the complement: SCN11A is on the minus strand). VCF-style: chr3-38921149-C-G. GRCh37 (hg19) VCF-style: chr3-38962640-C-G.
Other names: c.819G>C, p.Gln273His (NM_014139.3); short protein forms Q273H.
Identifiers: ClinVar variation 2162903 (VCV002162903.4), dbSNP rs374749911, ClinGen allele CA2322500.